The following is an entry in ClinVar:

ClinVar aggregate classification (germline): Likely benign. Review status: criteria provided, multiple submitters, no conflicts (2 of 4 stars). 2 submissions from 2 submitters: Likely benign (2). Last evaluated 2024-11-05.

Allele frequency attached by ClinVar (database versions not stated): ExAC 0.00001; gnomAD 0.00001; TOPMed 0.00001; gnomAD exomes 0.00002; ESP Exome Variant Server 0.00008.
gnomAD v4.1: 26 of 1,612,546 alleles (0.0016%); highest among the groups gnomAD compares: Non-Finnish European, 0.0021%; no homozygotes.

Submissions (2):

Blueprint Genetics
Classification: Likely benign. Last evaluated: 2024-11-05. Review status: criteria provided, single submitter. Criteria: ACMG Guidelines, 2015. Collection method: clinical testing. Allele origin: germline.

GeneDx
Classification: Likely benign. Last evaluated: 2017-07-27. Review status: criteria provided, single submitter. Criteria: GeneDx Variant Classification (06012015). Collection method: clinical testing. Allele origin: germline. Affected: yes.
Comment: This variant is considered likely benign or benign based on one or more of the following criteria: it is a conservative change, it occurs at a poorly conserved position in the protein, it is predicted to be benign by multiple in silico algorithms, and/or has population frequency not consistent with disease.

NM_002485.5(NBN):c.-15T>A

Gene: NBN (nibrin; minus strand). Cytogenetic location: 8q21.3.
Variant type: single nucleotide variant.
Coding change: c.-15T>A on transcript NM_002485.5 (MANE Select); 15 bases upstream of the start codon, T replaced by A.
Molecular consequence: 5 prime UTR variant.
Genome position (GRCh38, 1-based): chr8:89,984,576, A>T on the plus strand (T>A on the coding strand, the complement: NBN is on the minus strand). VCF-style: chr8-89984576-A-T. GRCh37 (hg19) VCF-style: chr8-90996804-A-T.
Other names: c.-311T>A (NM_001024688.3).
Identifiers: ClinVar variation 388901 (VCV000388901.4), dbSNP rs376360566, ClinGen allele CA4803117.